The following is an entry in ClinVar:

ClinVar aggregate classification (germline): Uncertain significance (1 of 4 stars; one submission).

Conditions:
Oligodontia-cancer predisposition syndrome. Also called: TOOTH AGENESIS-COLORECTAL CANCER SYNDROME. Identifiers: Orphanet 300576, MedGen C1837750, MONDO:0012075, OMIM 608615. Disease mechanism: loss of function.

Submission:

Labcorp Genetics (formerly Invitae), Labcorp
Classification: Uncertain significance for Oligodontia-cancer predisposition syndrome. Last evaluated: 2022-04-28. Review status: criteria provided, single submitter. Criteria: Invitae Variant Classification Sherloc (09022015). Collection method: clinical testing. Allele origin: germline.
Comment: This sequence change replaces glycine, which is neutral and non-polar, with serine, which is neutral and polar, at codon 43 of the AXIN2 protein (p.Gly43Ser). This variant is not present in population databases (gnomAD no frequency). This variant has not been reported in the literature in individuals affected with AXIN2-related conditions. Algorithms developed to predict the effect of missense changes on protein structure and function output the following: SIFT: "Tolerated"; PolyPhen-2: "Benign"; Align-GVGD: "Class C0". The serine amino acid residue is found in multiple mammalian species, which suggests that this missense change does not adversely affect protein function. In summary, the available evidence is currently insufficient to determine the role of this variant in disease. Therefore, it has been classified as a Variant of Uncertain Significance.

NM_004655.4(AXIN2):c.127G>A (p.Gly43Ser)

Gene: AXIN2 (axin 2; minus strand). Cytogenetic location: 17q24.1.
Variant type: single nucleotide variant.
Coding change: c.127G>A on transcript NM_004655.4 (MANE Select); coding-DNA position 127, G replaced by A.
Protein change: p.Gly43Ser; replaces glycine 43 with serine.
Molecular consequence: missense variant.
Genome position (GRCh38, 1-based): chr17:65,558,494, C>T on the plus strand (G>A on the coding strand, the complement: AXIN2 is on the minus strand). VCF-style: chr17-65558494-C-T. GRCh37 (hg19) VCF-style: chr17-63554612-C-T.
Other names: c.127G>A, p.Gly43Ser (NM_001363813.1); short protein forms G43S.
Identifiers: ClinVar variation 2131453 (VCV002131453.4), dbSNP rs1345677890, ClinGen allele CA400682111.